The following is an entry in ClinVar:

ClinVar aggregate classification (germline): Uncertain significance. Review status: criteria provided, multiple submitters, no conflicts (2 of 4 stars). 2 submissions from 2 submitters: Uncertain significance (2). Last evaluated 2025-06-29.

Conditions:
TGIF1-related disorder. Also called: TGIF1-related condition.
Inborn genetic diseases. Identifiers: MedGen C0950123, MeSH D030342.

gnomAD v4.1: 84 of 1,614,036 alleles (0.0052%); highest among the groups gnomAD compares: Non-Finnish European, 0.0065%; no homozygotes.

Submissions (2):

Ambry Genetics
Classification: Uncertain significance for Inborn genetic diseases. Last evaluated: 2025-06-29. Review status: criteria provided, single submitter. Criteria: Ambry Variant Classification Scheme 2023. Collection method: clinical testing. Allele origin: germline.

PreventionGenetics, part of Exact Sciences
Classification: Uncertain significance for TGIF1-related condition. Last evaluated: 2025-02-19. Review status: criteria provided, single submitter. Criteria: ACMG Guidelines, 2015. Collection method: clinical testing. Allele origin: germline.
Comment: The TGIF1 c.443C>G variant is predicted to result in the amino acid substitution p.Pro148Arg. To our knowledge, this variant has not been reported in the literature. This variant is reported in 0.0026% of alleles in individuals of European (Non-Finnish) descent in gnomAD. At this time, the clinical significance of this variant is uncertain due to the absence of conclusive functional and genetic evidence.

NM_003244.4(TGIF1):c.443C>G (p.Pro148Arg)

Gene: TGIF1 (TGFB induced factor homeobox 1; plus strand). Cytogenetic location: 18p11.31.
Variant type: single nucleotide variant.
Coding change: c.443C>G on transcript NM_003244.4 (MANE Select); coding-DNA position 443, C replaced by G.
Protein change: p.Pro148Arg; replaces proline 148 with arginine.
Molecular consequence: missense variant.
Genome position (GRCh38, 1-based): chr18:3,457,564, C>G. VCF-style: chr18-3457564-C-G. GRCh37 (hg19) VCF-style: chr18-3457562-C-G.
Other names: c.443C>G (NM_003244.3); c.443C>G, p.Pro148Arg (NM_001278684.2, NM_173208.3); c.383C>G, p.Pro128Arg (NM_001278686.3, NM_001374396.1, NM_001374397.1 and 5 more transcripts); c.485C>G, p.Pro162Arg (NM_173207.4); c.452C>G, p.Pro151Arg (NM_001278682.2); short protein forms P162R, P128R, P148R, P151R.
Identifiers: ClinVar variation 4183633 (VCV004183633.2).
Genomic context (GRCh38, chr18:3,457,564, plus strand): 5'-GCATCAAAAACTTCATGCCAGCTCTAGAGGAGACCCCATTTCATTCCTGTACAGCTGGGC[C>G]AAACCCAACCCTAGGGAGGCCACTGTCTCCTAAGCCGTCATCCCCGGGATCAGTTTTGGC-3'
Protein context (NP_003235.1, residues 138-158): ETPFHSCTAG[Pro148Arg]NPTLGRPLSP